The following is an entry in ClinVar:

NM_001142800.2(EYS):c.3106_3113delinsTTTTTTTTTTTTTTTTTTTTNNNNNNNNNNTTTTTTTTTTTTATTATACTCTAAGTTTTAGGGTACATGTGCACATTGTGCAGGTTAGTTACATATGTATACATGTGCCATGCTGGTGCGCTGCACC (p.Gly1036_His1038delinsPhePhePhePhePhePheXaaXaaXaaXaaPhePhePhePheIleIleLeuTer)

Gene: EYS (EGF-like photoreceptor maintenance factor; minus strand). Cytogenetic location: 6q12.
Variant type: Indel.
Coding change: c.3106_3113delinsTTTTTTTTTTTTTTTTTTTTNNNNNNNNNNTTTTTTTTTTTTATTATACTCTAAGTTTTAGGGTACATGTGCACATTGTGCAGGTTAGTTACATATGTATACATGTGCCATGCTGGTGCGCTGCACC on transcript NM_001142800.2 (MANE Select); coding-DNA positions 3106 to 3113, the reference bases replaced by an inserted sequence.
Protein change: p.Gly1036_His1038delinsPhePhePhePhePhePheXaaXaaXaaXaaPhePhePhePheIleIleLeuTer.
Molecular consequence: nonsense.
Genome position (GRCh38, 1-based): chr6:64,822,702-64,822,709, 8 bases replaced. GRCh37 (hg19): chr6:65,532,595-65,532,602.
Other names: c.3106_3113delinsTTTTTTTTTTTTTTTTTTTTNNNNNNNNNNTTTTTTTTTTTTATTATACTCTAAGTTTTAGGGTACATGTGCACATTGTGCAGGTTAGTTACATATGTATACATGTGCCATGCTGGTGCGCTGCACC, p.Gly1036_His1038delinsPhePhePhePhePhePheXaaXaaXaaXaaPhePhePhePheIleIleLeuTer (NM_001292009.2).
Identifiers: ClinVar variation 1354271 (VCV001354271.6), dbSNP rs2150022701.

ClinVar aggregate classification (germline): Pathogenic (1 of 4 stars; one submission).

Submission:

Labcorp Genetics (formerly Invitae), Labcorp
Classification: Pathogenic. Last evaluated: 2023-03-02. Review status: criteria provided, single submitter. Criteria: Invitae Variant Classification Sherloc (09022015). Collection method: clinical testing. Allele origin: germline.
Comment: For these reasons, this variant has been classified as Pathogenic. Retrotransposon insertions including LINE1 (L1), Alu, and SVA (SINE-VNTR-Alu) have been reported to be disease-causing through disruption of either a coding region or splice site (PMID: 19763152, 20307669, 22406018) and loss-of-function variants in EYS are known to be pathogenic (PMID: 18836446, 20333770). ClinVar contains an entry for this variant (Variation ID: 1354271). This sequence change inserts a large fragment of DNA, likely a transposable element, in exon 20 of the EYS gene (c.3106_3113delins?), causing a frameshift at codon 1036 (p.Gly1036fs). The exact size and sequence of the insertion cannot be determined by the current assay. However, the insertion is expected to result in an absent or disrupted protein product. This variant is not present in population databases (gnomAD no frequency). This variant has not been reported in the literature in individuals affected with EYS-related conditions.

Literature cited by the submitters: PubMed 19763152; PubMed 20307669; PubMed 22406018; PubMed 18836446; PubMed 20333770.